The following is an entry in ClinVar:

NM_000051.4(ATM):c.6490G>C (p.Glu2164Gln)

Genes: ATM (ATM serine/threonine kinase; plus strand), C11orf65 (chromosome 11 open reading frame 65; minus strand). Cytogenetic location: 11q22.3.
Variant type: single nucleotide variant.
Coding change: c.6490G>C on transcript NM_000051.4 (MANE Select); coding-DNA position 6490, G replaced by C.
Protein change: p.Glu2164Gln; replaces glutamic acid 2164 with glutamine.
Molecular consequence: missense variant. On other transcripts: intron variant (2).
Genome position (GRCh38, 1-based): chr11:108,321,338, G>C. VCF-style: chr11-108321338-G-C. GRCh37 (hg19) VCF-style: chr11-108192065-G-C.
Other names: c.*39-12267C>G (NM_001351110.2); c.6490G>C, p.Glu2164Gln (NM_001351834.2); c.641-12267C>G (NM_001330368.2); short protein forms E2164Q.
Identifiers: ClinVar variation 453631 (VCV000453631.10), dbSNP rs1317619286, ClinGen allele CA382554012.

ClinVar aggregate classification (germline): Uncertain significance (1 of 4 stars; one submission).

Conditions:
Ataxia-telangiectasia syndrome (AT). Also called: LOUIS-BAR SYNDROME; Cerebello-oculocutaneous telangiectasia; Immunodeficiency with ataxia telangiectasia; Ataxia-telangiectasia, complementation group D; AT, COMPLEMENTATION GROUP C; Ataxia-telangiectasia, complementation group E. Identifiers: Orphanet 100, MedGen C0004135, MONDO:0008840, OMIM 208900.

Submission:

Labcorp Genetics (formerly Invitae), Labcorp
Classification: Uncertain significance for Ataxia-telangiectasia syndrome. Last evaluated: 2024-01-11. Review status: criteria provided, single submitter. Criteria: Invitae Variant Classification Sherloc (09022015). Collection method: clinical testing. Allele origin: germline.
Comment: This sequence change replaces glutamic acid, which is acidic and polar, with glutamine, which is neutral and polar, at codon 2164 of the ATM protein (p.Glu2164Gln). This variant is not present in population databases (gnomAD no frequency). This variant has not been reported in the literature in individuals affected with ATM-related conditions. ClinVar contains an entry for this variant (Variation ID: 453631). An algorithm developed to predict the effect of missense changes on protein structure and function (PolyPhen-2) suggests that this variant is likely to be disruptive. In summary, the available evidence is currently insufficient to determine the role of this variant in disease. Therefore, it has been classified as a Variant of Uncertain Significance.